The following is an entry in ClinVar:

ClinVar aggregate classification (germline): Likely pathogenic (1 of 4 stars; one submission).

Conditions:
alpha Thalassemia. Also called: Alpha thalassemia spectrum. Identifiers: Orphanet 846, MedGen C0002312, MONDO:0011399, OMIM 604131.

Submission:

Natera, Inc.
Classification: Likely pathogenic for Alpha thalassemia. Last evaluated: 2025-09-29. Review status: criteria provided, single submitter. Criteria: Natera Variant Classification Schema (03/2026). Collection method: clinical testing. Allele origin: germline.
Comment: The c.187delG variant in HBA2 is a frameshift variant predicted to shift the reading frame beginning at codon 63 and leads to a stop codon 5 codons downstream. This variant is expected to result in nonsense mediated decay, truncation, or a dysfunctional protein product. This variant is rare in the general population with a frequency below the threshold expected for the associated phenotype(s). Given the available evidence, this variant is classified as Likely Pathogenic.

NM_000517.6(HBA2):c.187del (p.Val63fs)

Genes: HBA2 (hemoglobin subunit alpha 2; plus strand), LOC106804612 (hemoglobin subunit alpha 2 recombination region; plus strand). Cytogenetic location: 16p13.3.
Variant type: Deletion.
Coding change: c.187del on transcript NM_000517.6 (MANE Select); coding-DNA position 187, one base deleted (G; older notation c.187delG).
Protein change: p.Val63fs; shifts the reading frame from valine 63.
Molecular consequence: frameshift variant.
Genome position (GRCh38, 1-based): chr16:173,216, G deleted; the last of 2 consecutive G bases (chr16:173,215-173,216); deleting either gives the same sequence. VCF-style (leftmost placement, unchanged base first): chr16-173214-AG-A. GRCh37 (hg19) VCF-style: chr16-223213-AG-A.
Other names: short protein forms V63fs.
Identifiers: ClinVar variation 4818638 (VCV004818638.1).